The following is an entry in ClinVar:

NM_001042472.3(ABHD12):c.523C>G (p.His175Asp)

Gene: ABHD12 (abhydrolase domain containing 12, lysophospholipase; minus strand). Cytogenetic location: 20p11.21.
Variant type: single nucleotide variant.
Coding change: c.523C>G on transcript NM_001042472.3 (MANE Select); coding-DNA position 523, C replaced by G.
Protein change: p.His175Asp; replaces histidine 175 with aspartic acid.
Molecular consequence: missense variant.
Genome position (GRCh38, 1-based): chr20:25,320,218, G>C on the plus strand (C>G on the coding strand, the complement: ABHD12 is on the minus strand). VCF-style: chr20-25320218-G-C. GRCh37 (hg19) VCF-style: chr20-25300854-G-C.
Other names: c.523C>G, p.His175Asp (NM_015600.5); short protein forms H175D.
Identifiers: ClinVar variation 5006364 (VCV005006364.2).

ClinVar aggregate classification (germline): Uncertain significance (1 of 4 stars; one submission).

Conditions:
PHARC syndrome. Also called: Polyneuropathy-hearing loss-ataxia-retinitis pigmentosa-cataract syndrome. Identifiers: Orphanet 171848, MedGen C2675204, MONDO:0012984, OMIM 612674.

Submission:

Juno Genomics, Hangzhou Juno Genomics, Inc
Classification: Uncertain significance for PHARC syndrome. Review status: criteria provided, single submitter. Criteria: ACMG Guidelines, 2015. Collection method: clinical testing. Allele origin: germline.
Comment: Absent from controls (or at extremely low frequency if recessive) in Genome Aggregation Database.;Multiple lines of computational evidence support a deleterious effect on the gene or gene product.